The following is an entry in ClinVar:

NM_015909.4(NBAS):c.3198A>G (p.Gln1066=)

Gene: NBAS (NBAS subunit of NRZ tethering complex; minus strand). Cytogenetic location: 2p24.3.
Variant type: single nucleotide variant.
Coding change: c.3198A>G on transcript NM_015909.4 (MANE Select); coding-DNA position 3198, A replaced by G.
Protein change: p.Gln1066=; no amino-acid change (glutamine 1066 retained).
Molecular consequence: synonymous variant. On other transcripts: non-coding transcript variant (1).
Genome position (GRCh38, 1-based): chr2:15,394,286, T>C on the plus strand (A>G on the coding strand, the complement: NBAS is on the minus strand). VCF-style: chr2-15394286-T-C. GRCh37 (hg19) VCF-style: chr2-15534410-T-C.
Identifiers: ClinVar variation 745752 (VCV000745752.11), dbSNP rs573817571, ClinGen allele CA1536114.

ClinVar aggregate classification (germline): Likely benign. Review status: criteria provided, multiple submitters, no conflicts (2 of 4 stars). 2 submissions from 2 submitters: Likely benign (2). Last evaluated 2026-04-01.

Allele frequency attached by ClinVar (database versions not stated): ExAC 0.00001; gnomAD 0.00004; gnomAD exomes 0.00004; TOPMed 0.00006.
gnomAD v4.1: 81 of 1,613,216 alleles (0.005%); highest among the groups gnomAD compares: Admixed American, 0.0067%; no homozygotes.

Submissions (2):

CeGaT Center for Human Genetics Tuebingen
Classification: Likely benign. Last evaluated: 2026-04-01. Review status: criteria provided, single submitter. Criteria: CeGaT Center For Human Genetics Tuebingen Variant Classification Criteria Version 2. Collection method: clinical testing. Allele origin: germline. Affected: yes. Observed: 1 variant allele.
Comment: NBAS: BP4, BP7

Labcorp Genetics (formerly Invitae), Labcorp
Classification: Likely benign. Last evaluated: 2025-11-11. Review status: criteria provided, single submitter. Criteria: Invitae Variant Classification Sherloc (09022015). Collection method: clinical testing. Allele origin: germline.